The following is an entry in ClinVar:

ClinVar aggregate classification (germline): Conflicting classifications of pathogenicity. Review status: criteria provided, conflicting classifications (1 of 4 stars). 2 submissions from 2 submitters: Uncertain significance (1); Benign (1). Last evaluated 2024-11-25.

Conditions:
Tuberous sclerosis 2 (TSC2). Identifiers: Orphanet 805, MedGen C1860707, MONDO:0013199, OMIM 613254.
Hereditary cancer-predisposing syndrome. Also called: Hereditary neoplastic syndrome; Tumor predisposition; Hereditary Cancer Syndrome; Neoplastic Syndromes, Hereditary. Identifiers: Orphanet 140162, MedGen C0027672, MeSH D009386, MONDO:0015356.

Allele frequency attached by ClinVar (database versions not stated): gnomAD exomes below 0.00001; gnomAD 0.00001; TOPMed 0.00003.
gnomAD v4.1: 3 of 1,606,352 alleles (0.00019%); highest among the groups gnomAD compares: South Asian, 0.0022%; no homozygotes.

Submissions (2):

Ambry Genetics
Classification: Uncertain significance for Hereditary cancer-predisposing syndrome. Last evaluated: 2024-11-25. Review status: criteria provided, single submitter. Criteria: Ambry Variant Classification Scheme 2023. Collection method: clinical testing. Allele origin: germline.
Comment: The p.E1801K variant (also known as c.5401G>A), located in coding exon 41 of the TSC2 gene, results from a G to A substitution at nucleotide position 5401. The glutamic acid at codon 1801 is replaced by lysine, an amino acid with similar properties. This amino acid position is poorly conserved in available vertebrate species. In addition, the in silico prediction for this alteration is inconclusive. Based on the available evidence, the clinical significance of this variant remains unclear.

Labcorp Genetics (formerly Invitae), Labcorp
Classification: Benign for Tuberous sclerosis 2. Last evaluated: 2024-05-21. Review status: criteria provided, single submitter. Criteria: Invitae Variant Classification Sherloc (09022015). Collection method: clinical testing. Allele origin: germline.

NM_000548.5(TSC2):c.5401G>A (p.Glu1801Lys)

Gene: TSC2 (TSC complex subunit 2; plus strand). Cytogenetic location: 16p13.3.
Variant type: single nucleotide variant.
Coding change: c.5401G>A on transcript NM_000548.5 (MANE Select); coding-DNA position 5401, G replaced by A.
Protein change: p.Glu1801Lys; replaces glutamic acid 1801 with lysine.
Molecular consequence: missense variant.
Genome position (GRCh38, 1-based): chr16:2,088,587, G>A. VCF-style: chr16-2088587-G-A. GRCh37 (hg19) VCF-style: chr16-2138588-G-A.
Other names: c.5200G>A, p.Glu1734Lys (NM_001077183.3); c.5332G>A, p.Glu1778Lys (NM_001114382.3); c.5092G>A, p.Glu1698Lys (NM_001318827.2); c.5056G>A, p.Glu1686Lys (NM_001318829.2); c.4669G>A, p.Glu1557Lys (NM_001318831.2); c.5233G>A, p.Glu1745Lys (NM_001318832.2); c.5203G>A, p.Glu1735Lys (NM_001363528.2); c.5269G>A, p.Glu1757Lys (NM_001370404.1); and 2 more; short protein forms E1801K, E1557K, E1754K, E1734K, E1735K, E1758K, E1778K, E1686K.
Identifiers: ClinVar variation 575239 (VCV000575239.14), dbSNP rs1249406161, ClinGen allele CA394316159.
Genomic context (GRCh38, chr16:2,088,587, plus strand): 5'-CCAGCCGAGCCCACACCTGGCTATGAGGTGGGCCAGCGGAAGCGCCTCATCTCCTCGGTG[G>A]AGGACTTCACCGAGTTTGTGTGAGGCCGGGGCCCTCCCTCCTGCACTGGCCTTGGACGGT-3'
Protein context (NP_000539.2, residues 1791-1807): GQRKRLISSV[Glu1801Lys]DFTEFV